The following is an entry in ClinVar:

NM_003705.5(SLC25A12):c.1585+5C>T

Gene: SLC25A12 (solute carrier family 25 member 12; minus strand). Cytogenetic location: 2q31.1.
Variant type: single nucleotide variant.
Coding change: c.1585+5C>T on transcript NM_003705.5 (MANE Select); 5 bases into the intron after coding-DNA position 1585, C replaced by T.
Molecular consequence: intron variant.
Genome position (GRCh38, 1-based): chr2:171,791,446, G>A on the plus strand (C>T on the coding strand, the complement: SLC25A12 is on the minus strand). VCF-style: chr2-171791446-G-A. GRCh37 (hg19) VCF-style: chr2-172647956-G-A.
Identifiers: ClinVar variation 1998130 (VCV001998130.4), dbSNP rs1334325649, ClinGen allele CA2580064517.
Genomic context (GRCh38, chr2:171,791,446, plus strand): 5'-ATAGAGATTCTGTACTTTTTAAATAATGGGAGAATTCTTTCAGTTAAAAAAAAATTTGTA[G>A]TTACCTGCCATGGCTCCAGCTGCAAGAAGATTTAAACCTCCCACGTGTCCATTTTCATCA-3'

ClinVar aggregate classification (germline): Uncertain significance (1 of 4 stars; one submission).

gnomAD v4.1: 2 of 1,613,628 alleles (0.00012%); highest among the groups gnomAD compares: Non-Finnish European, 0.00017%; no homozygotes.

Submission:

Labcorp Genetics (formerly Invitae), Labcorp
Classification: Uncertain significance. Last evaluated: 2022-05-23. Review status: criteria provided, single submitter. Criteria: Invitae Variant Classification Sherloc (09022015). Collection method: clinical testing. Allele origin: germline.
Comment: This variant is not present in population databases (gnomAD no frequency). This sequence change falls in intron 15 of the SLC25A12 gene. It does not directly change the encoded amino acid sequence of the SLC25A12 protein. It affects a nucleotide within the consensus splice site. This variant has not been reported in the literature in individuals affected with SLC25A12-related conditions. Variants that disrupt the consensus splice site are a relatively common cause of aberrant splicing (PMID: 17576681, 9536098). Algorithms developed to predict the effect of sequence changes on RNA splicing suggest that this variant is not likely to affect RNA splicing. In summary, the available evidence is currently insufficient to determine the role of this variant in disease. Therefore, it has been classified as a Variant of Uncertain Significance.

Literature cited by the submitters: PubMed 17576681; PubMed 9536098.